The following is an entry in ClinVar:

ClinVar aggregate classification (germline): Uncertain significance. Review status: criteria provided, multiple submitters, no conflicts (2 of 4 stars). 2 submissions from 2 submitters: Uncertain significance (2). Last evaluated 2025-03-19.

Conditions:
Familial focal epilepsy with variable foci (FPEVF). Identifiers: Orphanet 98820, MedGen C1858477, MONDO:0020310.

Submissions (2):

Labcorp Genetics (formerly Invitae), Labcorp
Classification: Uncertain significance for Familial focal epilepsy with variable foci. Last evaluated: 2025-03-19. Review status: criteria provided, single submitter. Criteria: Invitae Variant Classification Sherloc (09022015). Collection method: clinical testing. Allele origin: germline.
Comment: This sequence change replaces methionine, which is neutral and non-polar, with threonine, which is neutral and polar, at codon 1553 of the DEPDC5 protein (p.Met1553Thr). This variant is not present in population databases (gnomAD no frequency). This variant has not been reported in the literature in individuals affected with DEPDC5-related conditions. ClinVar contains an entry for this variant (Variation ID: 1307550). Experimental studies and prediction algorithms are not available or were not evaluated, and the functional significance of this variant is currently unknown. In summary, the available evidence is currently insufficient to determine the role of this variant in disease. Therefore, it has been classified as a Variant of Uncertain Significance.

GeneDx
Classification: Uncertain significance. Last evaluated: 2019-08-05. Review status: criteria provided, single submitter. Criteria: GeneDx Variant Classification Process June 2021. Collection method: clinical testing. Allele origin: germline. Affected: yes.
Comment: Not observed in large population cohorts (Lek et al., 2016); In silico analysis, which includes protein predictors and evolutionary conservation, supports a deleterious effect; Has not been previously published as pathogenic or benign to our knowledge

NM_001242896.3(DEPDC5):c.4658T>C (p.Met1553Thr)

Gene: DEPDC5 (DEP domain containing 5, GATOR1 subcomplex subunit; plus strand). Cytogenetic location: 22q12.3.
Variant type: single nucleotide variant.
Coding change: c.4658T>C on transcript NM_001242896.3 (MANE Select); coding-DNA position 4658, T replaced by C.
Protein change: p.Met1553Thr; replaces methionine 1553 with threonine.
Molecular consequence: missense variant. On other transcripts: non-coding transcript variant (5).
Genome position (GRCh38, 1-based): chr22:31,906,343, T>C. VCF-style: chr22-31906343-T-C. GRCh37 (hg19) VCF-style: chr22-32302329-T-C.
Other names: c.4631T>C, p.Met1544Thr (NM_001136029.4); c.4358T>C, p.Met1453Thr (NM_001242897.2); c.4592T>C, p.Met1531Thr (NM_001363852.2, NM_001364320.2); c.4424T>C, p.Met1475Thr (NM_001363854.2, NM_001364319.2); c.4658T>C, p.Met1553Thr (NM_001364318.2); c.4574T>C, p.Met1525Thr (NM_001369901.1, NM_001369902.1); c.4565T>C, p.Met1522Thr (NM_001369903.1, NM_014662.6); short protein forms M1453T, M1475T, M1522T, M1525T, M1531T, M1544T, M1553T.
Identifiers: ClinVar variation 1307550 (VCV001307550.3), dbSNP rs1407536792, ClinGen allele CA411292673.